The following is an entry in ClinVar:

NM_021625.5(TRPV4):c.180A>G (p.Pro60=)

Gene: TRPV4 (transient receptor potential cation channel subfamily V member 4; minus strand). Cytogenetic location: 12q24.11.
Variant type: single nucleotide variant.
Coding change: c.180A>G on transcript NM_021625.5 (MANE Select); coding-DNA position 180, A replaced by G.
Protein change: p.Pro60=; no amino-acid change (proline 60 retained).
Molecular consequence: synonymous variant. On other transcripts: splice acceptor variant (1).
Genome position (GRCh38, 1-based): chr12:109,814,617, T>C on the plus strand (A>G on the coding strand, the complement: TRPV4 is on the minus strand). VCF-style: chr12-109814617-T-C. GRCh37 (hg19) VCF-style: chr12-110252422-T-C.
Other names: c.180A>G, p.Pro60= (NM_001177428.2, NM_001177433.2, NM_147204.3); c.80-2A>G (NM_001177431.1).
Identifiers: ClinVar variation 1946208 (VCV001946208.6), dbSNP rs1192052152, ClinGen allele CA386660654.

ClinVar aggregate classification (germline): Conflicting classifications of pathogenicity. Review status: criteria provided, conflicting classifications (1 of 4 stars). 2 submissions from 2 submitters: Uncertain significance (1); Likely benign (1). Last evaluated 2026-02-11.

Conditions:
TRPV4-related disorder. Also called: TRPV4-related disorders; TRPV4-related condition.
Charcot-Marie-Tooth disease axonal type 2C (HMSN2C). Also called: CHARCOT-MARIE-TOOTH DISEASE, AXONAL, AUTOSOMAL DOMINANT, TYPE 2C; Charcot-Marie-Tooth Neuropathy Type 2C; Charcot-Marie-Tooth Disease Type 2, TRPV4-Related (CMT2C). Identifiers: Orphanet 99937, MedGen C1853710, MONDO:0011633, OMIM 606071.

Allele frequency attached by ClinVar (database versions not stated): gnomAD exomes 0.00001.

Submissions (2):

PreventionGenetics, part of Exact Sciences
Classification: Uncertain significance for TRPV4-related condition. Last evaluated: 2026-02-11. Review status: criteria provided, single submitter. Criteria: ACMG Guidelines, 2015. Collection method: clinical testing. Allele origin: germline.
Comment: The TRPV4 c.80-2A>G variant is predicted to disrupt the AG splice acceptor site and interfere with normal splicing. This variant is located in an alternate transcript. In the canonical transcript (NM_021625.4), this variant is not predicted to result in an amino acid substitution (c.180A>G, p.=). To our knowledge, this variant has not been reported in the literature. This variant is reported in 0.0058% of alleles in individuals of Latino descent in gnomAD. Although we suspect that this variant may be benign, at this time, the clinical significance of this variant is uncertain due to the absence of conclusive functional and genetic evidence.

Labcorp Genetics (formerly Invitae), Labcorp
Classification: Likely benign for Charcot-Marie-Tooth disease axonal type 2C. Last evaluated: 2024-09-17. Review status: criteria provided, single submitter. Criteria: Invitae Variant Classification Sherloc (09022015). Collection method: clinical testing. Allele origin: germline.